The following is an entry in ClinVar:

NM_001034853.2(RPGR):c.2875_2876insGGGAGGAAGGAGAAGGGGAGGGGGAAGAGGAGGAAGGAGAATGGGAGGGGGAAG (p.944_958GE[3]EEEGEWEGEGEEGEGEGEEEEGEWEGE[1])

Gene: RPGR (retinitis pigmentosa GTPase regulator; minus strand). Cytogenetic location: Xp11.4.
Variant type: Insertion.
Coding change: c.2875_2876insGGGAGGAAGGAGAAGGGGAGGGGGAAGAGGAGGAAGGAGAATGGGAGGGGGAAG on transcript NM_001034853.2 (MANE Select); coding-DNA positions 2875 to 2876, GGGAGGAAGGAGAAGGGGAGGGGGAAGAGGAGGAAGGAGAATGGGAGGGGGAAG inserted.
Protein change: p.944_958GE[3]EEEGEWEGEGEEGEGEGEEEEGEWEGE[1].
Molecular consequence: inframe insertion. On other transcripts: intron variant (8).
Genome position: GRCh38: chrX:38,286,169-38,286,170. GRCh37 (hg19): chrX:38,145,422-38,145,423.
Other names: c.1569+4835_1569+4836insGGAGAAGGGGAGGGGGAAGAGGAGGAAGGAGAATGGGAGGGGGAAGGGGAGGAA (NM_001367249.1, NM_001367250.1); c.1902+970_1902+971insGGAGAAGGGGAGGGGGAAGAGGAGGAAGGAGAATGGGAGGGGGAAGGGGAGGAA (NM_001367245.1); c.1386+4835_1386+4836insGGAGAAGGGGAGGGGGAAGAGGAGGAAGGAGAATGGGAGGGGGAAGGGGAGGAA (NM_001367251.1); c.1719+970_1719+971insGGAGAAGGGGAGGGGGAAGAGGAGGAAGGAGAATGGGAGGGGGAAGGGGAGGAA (NM_001367246.1); c.1572+4835_1572+4836insGGAGAAGGGGAGGGGGAAGAGGAGGAAGGAGAATGGGAGGGGGAAGGGGAGGAA (NM_001367247.1); c.1905+970_1905+971insGGAGAAGGGGAGGGGGAAGAGGAGGAAGGAGAATGGGAGGGGGAAGGGGAGGAA (NM_000328.3); c.1602+4835_1602+4836insGGAGAAGGGGAGGGGGAAGAGGAGGAAGGAGAATGGGAGGGGGAAGGGGAGGAA (NM_001367248.1).
Identifiers: ClinVar variation 1425180 (VCV001425180.5), dbSNP rs1569236068, ClinGen allele CA640957141.

ClinVar aggregate classification (germline): Uncertain significance (1 of 4 stars; one submission).

Conditions:
Primary ciliary dyskinesia. Also called: Ciliary dyskinesia. Identifiers: Orphanet 244, MedGen C0008780, MONDO:0016575, HP:0012265.

Submission:

Labcorp Genetics (formerly Invitae), Labcorp
Classification: Uncertain significance for Primary ciliary dyskinesia. Last evaluated: 2025-01-16. Review status: criteria provided, single submitter. Criteria: Invitae Variant Classification Sherloc (09022015). Collection method: clinical testing. Allele origin: germline.
Comment: This variant, c.2875_2876ins54, results in the insertion of 18 amino acid(s) of the RPGR (ORF15) protein (p.Glu958_Glu959ins18), but otherwise preserves the integrity of the reading frame. The frequency data for this variant in the population databases is considered unreliable, as metrics indicate poor data quality at this position in the gnomAD database. This variant has not been reported in the literature in individuals affected with RPGR (ORF15)-related conditions. ClinVar contains an entry for this variant (Variation ID: 1425180). Experimental studies and prediction algorithms are not available or were not evaluated, and the functional significance of this variant is currently unknown. In summary, the available evidence is currently insufficient to determine the role of this variant in disease. Therefore, it has been classified as a Variant of Uncertain Significance.